The following is an entry in ClinVar:

ClinVar aggregate classification (germline): Uncertain significance (1 of 4 stars; one submission).

gnomAD v4.1: 16 of 1,610,256 alleles (0.00099%); highest among the groups gnomAD compares: Non-Finnish European, 0.0014%; no homozygotes.

Submission:

Labcorp Genetics (formerly Invitae), Labcorp
Classification: Uncertain significance. Last evaluated: 2022-01-11. Review status: criteria provided, single submitter. Criteria: Invitae Variant Classification Sherloc (09022015). Collection method: clinical testing. Allele origin: germline.
Comment: This variant is present in population databases (rs544429384, gnomAD 0.009%). In summary, the available evidence is currently insufficient to determine the role of this variant in disease. Therefore, it has been classified as a Variant of Uncertain Significance. Algorithms developed to predict the effect of missense changes on protein structure and function are either unavailable or do not agree on the potential impact of this missense change (SIFT: "Tolerated"; PolyPhen-2: "Possibly Damaging"; Align-GVGD: "Class C0"). This variant has not been reported in the literature in individuals affected with SI-related conditions. This sequence change replaces tyrosine, which is neutral and polar, with phenylalanine, which is neutral and non-polar, at codon 1292 of the SI protein (p.Tyr1292Phe).

NM_001041.4(SI):c.3875A>T (p.Tyr1292Phe)

Gene: SI (sucrase-isomaltase; minus strand). Cytogenetic location: 3q26.1.
Variant type: single nucleotide variant.
Coding change: c.3875A>T on transcript NM_001041.4 (MANE Select); coding-DNA position 3875, A replaced by T.
Protein change: p.Tyr1292Phe; replaces tyrosine 1292 with phenylalanine.
Molecular consequence: missense variant.
Genome position (GRCh38, 1-based): chr3:165,015,965, T>A on the plus strand (A>T on the coding strand, the complement: SI is on the minus strand). VCF-style: chr3-165015965-T-A. GRCh37 (hg19) VCF-style: chr3-164733753-T-A.
Other names: short protein forms Y1292F.
Identifiers: ClinVar variation 2080026 (VCV002080026.2), dbSNP rs544429384, ClinGen allele CA2690119.
Genomic context (GRCh38, chr3:165,015,965, plus strand): 5'-ATTAATGGAAACAAGAAATAAGACTCAGGTAAACTCCAAGTACTGACCAGGATAATAATG[T>A]ATCTCATTCCTTCTCCTCTTATTTTGTCAACAAACTGAGGAAGGTCCTGGAATGCTTCAC-3'
Protein context (NP_001032.2, residues 1282-1302): VDKIRGEGMR[Tyr1292Phe]IIILDPAISG